The following is an entry in ClinVar:

ClinVar aggregate classification (germline): Conflicting classifications of pathogenicity. Review status: criteria provided, conflicting classifications (1 of 4 stars). 4 submissions from 4 submitters: Uncertain significance (1); Likely benign (2). 1 of the submissions does not count toward it. Last evaluated 2025-12-22.

Conditions:
MAN2B1-related disorder. Also called: MAN2B1-related condition.
Deficiency of alpha-mannosidase (MANSA). Also called: LYSOSOMAL ALPHA-D-MANNOSIDASE DEFICIENCY; Alpha-Mannosidosis; Mannosidosis, alpha-, types I and II. Identifiers: Orphanet 61, MedGen C0024748, MONDO:0009561, OMIM 248500.

Allele frequency attached by ClinVar (database versions not stated): gnomAD 0.00014 and 0.00015; ExAC 0.00016; gnomAD exomes 0.00017 and 0.00027; 1000 Genomes Project 0.00020; TOPMed 0.00021; 1000 Genomes Project 30x 0.00031; ESP Exome Variant Server 0.00031.

Submissions (4):

Labcorp Genetics (formerly Invitae), Labcorp
Classification: Likely benign for Deficiency of alpha-mannosidase. Last evaluated: 2025-12-22. Review status: criteria provided, single submitter. Criteria: Invitae Variant Classification Sherloc (09022015). Collection method: clinical testing. Allele origin: germline.

Blueprint Genetics
Classification: Likely benign. Last evaluated: 2024-06-06. Review status: criteria provided, single submitter. Criteria: ACMG Guidelines, 2015. Collection method: clinical testing. Allele origin: germline.

Eurofins Ntd Llc (ga)
Classification: Uncertain significance. Last evaluated: 2016-03-03. Review status: criteria provided, single submitter. Criteria: EGL Classification Definitions 2015. Collection method: clinical testing. Allele origin: germline. Observed: 1 variant allele, 1 heterozygote.

PreventionGenetics, part of Exact Sciences
Classification: Likely benign for MAN2B1-related condition. Last evaluated: 2019-03-28. Review status: no assertion criteria provided. Collection method: clinical testing. Allele origin: germline. Not counted in ClinVar's aggregate classification.
Comment: This variant is classified as likely benign based on ACMG/AMP sequence variant interpretation guidelines (Richards et al. 2015 PMID: 25741868, with internal and published modifications).

NM_000528.4(MAN2B1):c.1928+10G>C

Gene: MAN2B1 (mannosidase alpha class 2B member 1; minus strand). Cytogenetic location: 19p13.13.
Variant type: single nucleotide variant.
Coding change: c.1928+10G>C on transcript NM_000528.4 (MANE Select); 10 bases into the intron after coding-DNA position 1928, G replaced by C.
Molecular consequence: intron variant.
Genome position (GRCh38, 1-based): chr19:12,652,353, C>G on the plus strand (G>C on the coding strand, the complement: MAN2B1 is on the minus strand). VCF-style: chr19-12652353-C-G. GRCh37 (hg19) VCF-style: chr19-12763167-C-G.
Other names: c.1925+10G>C (NM_001173498.2).
Identifiers: ClinVar variation 286664 (VCV000286664.18), dbSNP rs200579436, ClinGen allele CA9226273.